The following is an entry in ClinVar:

ClinVar aggregate classification (germline): Pathogenic. Review status: criteria provided, multiple submitters, no conflicts (2 of 4 stars). 3 submissions from 3 submitters: Pathogenic (3). Last evaluated 2025-01-27.

Conditions:
METHYLMALONIC ACIDURIA, mut(0) TYPE. Identifiers: MedGen C1855115, OMIM 251000.
Methylmalonic aciduria due to methylmalonyl-CoA mutase deficiency (MAMM). Also called: Methylmalonic aciduria, mut type. Identifiers: Orphanet 27, MedGen C1855114, MONDO:0009612, OMIM 251000.
Methylmalonic aciduria due to complete methylmalonyl-CoA mutase deficiency.

Allele frequency attached by ClinVar (database versions not stated): gnomAD exomes below 0.00001.

Submissions (3):

Natera, Inc.
Classification: Pathogenic for Methylmalonic aciduria due to complete methylmalonyl-CoA mutase deficiency. Last evaluated: 2025-01-27. Review status: criteria provided, single submitter. Criteria: Natera Variant Classification Schema (03/2026). Collection method: clinical testing. Allele origin: germline.
Comment: The c.2T>C variant in MMUT is predicted to result in start loss due to disruption of the initiator methionine. This variant is expected to result in nonsense mediated decay, truncation, or a dysfunctional protein product. This variant is rare in the general population with a frequency below the threshold expected for the associated phenotype(s). This variant has been observed in one or more individuals affected with the associated recessive disease, as either homozygous or compound heterozygous with a second variant (PMID: 33453710). Given the available evidence, this variant is classified as Pathogenic.

Genomic Research Center, Shahid Beheshti University of Medical Sciences
Classification: Pathogenic for METHYLMALONIC ACIDURIA, mut(0) TYPE. Last evaluated: 2018-08-07. Review status: criteria provided, single submitter. Criteria: ACMG Guidelines, 2015. Collection method: clinical testing. Allele origin: inherited. Affected: yes. Observed: 1 variant allele.

University Children's Hospital, University of Zurich
Classification: Pathogenic for Methylmalonic aciduria due to methylmalonyl-CoA mutase deficiency. Review status: criteria provided, single submitter. Criteria: Forny et al. (Hum Mutat. 2016). Collection method: clinical testing. Allele origin: germline. Inheritance: Autosomal recessive inheritance. Affected: yes.

Literature cited by the submitters: PubMed 33453710 (cited by Natera, Inc.); PubMed 25736335 (cited by University Children's Hospital, University of Zurich).

NM_000255.4(MMUT):c.2T>C (p.Met1Thr)

Gene: MMUT (methylmalonyl-CoA mutase; minus strand). Cytogenetic location: 6p12.3.
Variant type: single nucleotide variant.
Coding change: c.2T>C on transcript NM_000255.4 (MANE Select); coding-DNA position 2, T replaced by C.
Protein change: p.Met1Thr; changes the start codon (methionine 1).
Molecular consequence: missense variant, initiator codon variant.
Genome position (GRCh38, 1-based): chr6:49,459,465, A>G on the plus strand (T>C on the coding strand, the complement: MMUT is on the minus strand). VCF-style: chr6-49459465-A-G. GRCh37 (hg19) VCF-style: chr6-49427178-A-G.
Other names: short protein forms M1T.
Identifiers: ClinVar variation 222903 (VCV000222903.8), dbSNP rs879253820, ClinGen allele CA10575890.